The following is an entry in ClinVar:

ClinVar aggregate classification (germline): Uncertain significance (1 of 4 stars; one submission).

gnomAD v4.1: 21 of 1,614,038 alleles (0.0013%); highest among the groups gnomAD compares: South Asian, 0.018%; no homozygotes.

Submission:

Labcorp Genetics (formerly Invitae), Labcorp
Classification: Uncertain significance. Last evaluated: 2024-11-05. Review status: criteria provided, single submitter. Criteria: Invitae Variant Classification Sherloc (09022015). Collection method: clinical testing. Allele origin: germline.
Comment: This sequence change replaces arginine, which is basic and polar, with histidine, which is basic and polar, at codon 256 of the SPARC protein (p.Arg256His). This variant is present in population databases (rs773107816, gnomAD 0.02%). This variant has not been reported in the literature in individuals affected with SPARC-related conditions. Invitae Evidence Modeling of protein sequence and biophysical properties (such as structural, functional, and spatial information, amino acid conservation, physicochemical variation, residue mobility, and thermodynamic stability) indicates that this missense variant is expected to disrupt SPARC protein function with a positive predictive value of 80%. In summary, the available evidence is currently insufficient to determine the role of this variant in disease. Therefore, it has been classified as a Variant of Uncertain Significance.

NM_003118.4(SPARC):c.767G>A (p.Arg256His)

Genes: SPARC (secreted protein acidic and cysteine rich; minus strand), LOC126807556 (MED14-independent group 3 enhancer GRCh37_chr5:151042798-151043997; plus strand). Cytogenetic location: 5q33.1.
Variant type: single nucleotide variant.
Coding change: c.767G>A on transcript NM_003118.4 (MANE Select); coding-DNA position 767, G replaced by A.
Protein change: p.Arg256His; replaces arginine 256 with histidine.
Molecular consequence: missense variant.
Genome position (GRCh38, 1-based): chr5:151,664,203, C>T on the plus strand (G>A on the coding strand, the complement: SPARC is on the minus strand). VCF-style: chr5-151664203-C-T. GRCh37 (hg19) VCF-style: chr5-151043764-C-T.
Other names: c.764G>A, p.Arg255His (NM_001309443.2); c.767G>A, p.Arg256His (NM_001309444.2); short protein forms R255H, R256H.
Identifiers: ClinVar variation 3623419 (VCV003623419.1).